The following is an entry in ClinVar:

NM_018341.3(ERMARD):c.2033T>C (p.Leu678Ser)

Gene: ERMARD (ER membrane associated RNA degradation; plus strand). Cytogenetic location: 6q27.
Variant type: single nucleotide variant.
Coding change: c.2033T>C on transcript NM_018341.3 (MANE Select); coding-DNA position 2033, T replaced by C.
Protein change: p.Leu678Ser; replaces leucine 678 with serine.
Molecular consequence: missense variant.
Genome position (GRCh38, 1-based): chr6:169,781,509, T>C. VCF-style: chr6-169781509-T-C. GRCh37 (hg19) VCF-style: chr6-170181605-T-C.
Other names: c.1892T>C, p.Leu631Ser (NM_001278531.2); c.1655T>C, p.Leu552Ser (NM_001278532.2); c.1814T>C, p.Leu605Ser (NM_001278533.2); c.1625T>C, p.Leu542Ser (NM_001410957.1); short protein forms L605S, L678S, L552S, L542S, L631S.
Identifiers: ClinVar variation 1913387 (VCV001913387.5), dbSNP rs372564939, ClinGen allele CA4106487.

ClinVar aggregate classification (germline): Uncertain significance (1 of 4 stars; one submission).

Allele frequency attached by ClinVar (database versions not stated): gnomAD exomes below 0.00001; ExAC 0.00001; TOPMed 0.00002; gnomAD 0.00003; ESP Exome Variant Server 0.00008.
gnomAD v4.1: 8 of 1,585,738 alleles (0.0005%); highest among the groups gnomAD compares: African/African-American, 0.0081%; no homozygotes.

Submission:

Labcorp Genetics (formerly Invitae), Labcorp
Classification: Uncertain significance. Last evaluated: 2022-03-13. Review status: criteria provided, single submitter. Criteria: Invitae Variant Classification Sherloc (09022015). Collection method: clinical testing. Allele origin: germline.
Comment: This sequence change replaces leucine, which is neutral and non-polar, with serine, which is neutral and polar, at codon 678 of the ERMARD protein (p.Leu678Ser). This variant is present in population databases (rs372564939, gnomAD 0.01%). This variant has not been reported in the literature in individuals affected with ERMARD-related conditions. Algorithms developed to predict the effect of missense changes on protein structure and function output the following: SIFT: "Deleterious"; PolyPhen-2: "Benign"; Align-GVGD: "Class C0". The serine amino acid residue is found in multiple mammalian species, which suggests that this missense change does not adversely affect protein function. In summary, the available evidence is currently insufficient to determine the role of this variant in disease. Therefore, it has been classified as a Variant of Uncertain Significance.